The following is an entry in ClinVar:

ClinVar aggregate classification (germline): Uncertain significance (1 of 4 stars; one submission).

Allele frequency attached by ClinVar (database versions not stated): gnomAD exomes 0.00002; 1000 Genomes Project 30x 0.00016; 1000 Genomes Project 0.00020.
gnomAD v4.1: 27 of 1,608,948 alleles (0.0017%); highest among the groups gnomAD compares: East Asian, 0.02%; no homozygotes.

Submission:

Labcorp Genetics (formerly Invitae), Labcorp
Classification: Uncertain significance. Last evaluated: 2023-12-25. Review status: criteria provided, single submitter. Criteria: Invitae Variant Classification Sherloc (09022015). Collection method: clinical testing. Allele origin: germline.
Comment: This sequence change replaces arginine, which is basic and polar, with cysteine, which is neutral and slightly polar, at codon 308 of the CARD8 protein (p.Arg308Cys). This variant is not present in population databases (gnomAD no frequency). This variant has not been reported in the literature in individuals affected with CARD8-related conditions. ClinVar contains an entry for this variant (Variation ID: 2185386). An algorithm developed to predict the effect of missense changes on protein structure and function (PolyPhen-2) suggests that this variant is likely to be disruptive. In summary, the available evidence is currently insufficient to determine the role of this variant in disease. Therefore, it has been classified as a Variant of Uncertain Significance.

NM_001184900.3(CARD8):c.1072C>T (p.Arg358Cys)

Gene: CARD8 (caspase recruitment domain family member 8; minus strand). Cytogenetic location: 19q13.33.
Variant type: single nucleotide variant.
Coding change: c.1072C>T on transcript NM_001184900.3 (MANE Select); coding-DNA position 1072, C replaced by T.
Protein change: p.Arg358Cys; replaces arginine 358 with cysteine.
Molecular consequence: missense variant. On other transcripts: non-coding transcript variant (3).
Genome position (GRCh38, 1-based): chr19:48,221,819, G>A on the plus strand (C>T on the coding strand, the complement: CARD8 is on the minus strand). VCF-style: chr19-48221819-G-A. GRCh37 (hg19) VCF-style: chr19-48725076-G-A.
Other names: c.922C>T, p.Arg308Cys (NM_001184901.1, NM_001351783.2, NM_001351788.2 and 2 more transcripts); c.1072C>T, p.Arg358Cys (NM_001184902.2, NM_001184903.1, NM_001351782.2); c.757C>T, p.Arg253Cys (NM_001351784.2, NM_001351787.2, NM_001351791.2 and 1 more transcripts); c.736C>T, p.Arg246Cys (NM_001351786.2); c.829C>T, p.Arg277Cys (NM_001351790.2); c.754C>T, p.Arg252Cys (NM_001365950.1); short protein forms R246C, R252C, R308C, R277C, R358C, R253C.
Identifiers: ClinVar variation 2185386 (VCV002185386.4), dbSNP rs555715998, ClinGen allele CA309335455.
Genomic context (GRCh38, chr19:48,221,819, plus strand): 5'-TAGACACAATATAACTGGAACCAAAGTTCAGGGGTTCCATTGGGGGCGAAGTCTGCAGGC[G>A]CACACCATGGAAGCGATCTTCCTCATCATCTATCGCCTAAGGAAGAAGGGGCAGAAACAT-3'
Protein context (NP_001171829.1, residues 348-368): DDEEDRFHGV[Arg358Cys]LQTSPPMEPL